The following is an entry in ClinVar:

NM_001374353.1(GLI2):c.4010C>T (p.Pro1337Leu)

Gene: GLI2 (GLI family zinc finger 2; plus strand). Cytogenetic location: 2q14.2.
Variant type: single nucleotide variant.
Coding change: c.4010C>T on transcript NM_001374353.1 (MANE Select); coding-DNA position 4010, C replaced by T.
Protein change: p.Pro1337Leu; replaces proline 1337 with leucine.
Molecular consequence: missense variant.
Genome position (GRCh38, 1-based): chr2:120,989,975, C>T. VCF-style: chr2-120989975-C-T. GRCh37 (hg19) VCF-style: chr2-121747551-C-T.
Other names: c.4061C>T, p.Pro1354Leu (NM_001371271.1, NM_005270.5); c.3635C>T, p.Pro1212Leu (NM_001374354.1); short protein forms P1212L, P1337L, P1354L.
Identifiers: ClinVar variation 3751708 (VCV003751708.2).
Genomic context (GRCh38, chr2:120,989,975, plus strand): 5'-AGGAGGGCTACCACCAGGTCCCCAGCCTTCTGCCTGCCCGCCAGCCTGGCTTCATGGAGC[C>T]CCAAACAGGCCCGATGGGGGTGGCTACAGCAGGCTTTGGCCTAGTGCAGCCCCGGCCTCC-3'
Protein context (NP_001361282.1, residues 1327-1347): LPARQPGFME[Pro1337Leu]QTGPMGVATA

ClinVar aggregate classification (germline): Uncertain significance (1 of 4 stars; one submission).

Conditions:
Holoprosencephaly 9 (HPE9). Also called: HOLOPROSENCEPHALY WITH MICROPHTHALMIA AND FIRST BRANCHIAL ARCH ANOMALIES; PITUITARY ANOMALIES WITH HOLOPROSENCEPHALY-LIKE FEATURES. Identifiers: Orphanet 2162, MedGen C1835819, MONDO:0012563, OMIM 610829.
Postaxial polydactyly-anterior pituitary anomalies-facial dysmorphism syndrome. Also called: Culler-Jones syndrome. Identifiers: Orphanet 420584, MedGen C4014479, MONDO:0014369, OMIM 615849.

Submission:

Labcorp Genetics (formerly Invitae), Labcorp
Classification: Uncertain significance for Postaxial polydactyly-anterior pituitary anomalies-facial dysmorphism syndrome; Holoprosencephaly 9. Last evaluated: 2024-05-23. Review status: criteria provided, single submitter. Criteria: Invitae Variant Classification Sherloc (09022015). Collection method: clinical testing. Allele origin: germline.
Comment: This sequence change replaces proline, which is neutral and non-polar, with leucine, which is neutral and non-polar, at codon 1354 of the GLI2 protein (p.Pro1354Leu). This variant is not present in population databases (gnomAD no frequency). This variant has not been reported in the literature in individuals affected with GLI2-related conditions. Algorithms developed to predict the effect of missense changes on protein structure and function output the following: SIFT: "Not Available"; PolyPhen-2: "Benign"; Align-GVGD: "Not Available". The leucine amino acid residue is found in multiple mammalian species, which suggests that this missense change does not adversely affect protein function. In summary, the available evidence is currently insufficient to determine the role of this variant in disease. Therefore, it has been classified as a Variant of Uncertain Significance.